The following is an entry in ClinVar:

ClinVar aggregate classification (germline): Uncertain significance. Review status: criteria provided, multiple submitters, no conflicts (2 of 4 stars). 2 submissions from 2 submitters: Uncertain significance (2). Last evaluated 2025-11-17.

Conditions:
Epidermolysis bullosa simplex 5B, with muscular dystrophy (EBS5B). Also called: Epidermolysis bullosa simplex with muscular dystrophy; EPIDERMOLYSIS BULLOSA SIMPLEX AND LIMB-GIRDLE MUSCULAR DYSTROPHY. Identifiers: Orphanet 257, MedGen C2931072, MONDO:0009181, OMIM 226670.
Epidermolysis bullosa simplex, Ogna type (EBS5A). Also called: Pidermolysis bullosa simplex 5A, Ogna type; EPIDERMOLYSIS BULLOSA SIMPLEX 5A, OGNA TYPE. Identifiers: Orphanet 79401, MedGen C0432317, MONDO:0007555, OMIM 131950.
Epidermolysis bullosa simplex 5C, with pyloric atresia (EBS5C). Also called: PLEC-Related Epidermolysis Bullosa with Pyloric Atresia; Epidermolysis bullosa simplex with pyloric atresia; PLEC1-Related Epidermolysis Bullosa with Pyloric Atresia. Identifiers: Orphanet 158684, MedGen C2677349, MONDO:0012807, OMIM 612138.
Autosomal recessive limb-girdle muscular dystrophy type 2Q (LGMDR17). Also called: MUSCULAR DYSTROPHY, LIMB-GIRDLE, AUTOSOMAL RECESSIVE 17. Identifiers: Orphanet 254361, MedGen C3150989, MONDO:0013390, OMIM 613723.
Epidermolysis bullosa simplex with nail dystrophy (EBS5D). Identifiers: MedGen C4225309, MONDO:0014661, OMIM 616487.

gnomAD v4.1: 1 of 1,611,912 alleles (0.000062%); highest among the groups gnomAD compares: South Asian, 0.0011%; no homozygotes.

Submissions (2):

Labcorp Genetics (formerly Invitae), Labcorp
Classification: Uncertain significance for Autosomal recessive limb-girdle muscular dystrophy type 2Q; Epidermolysis bullosa simplex, Ogna type; Epidermolysis bullosa simplex with nail dystrophy; Epidermolysis bullosa simplex 5C, with pyloric atresia; Epidermolysis bullosa simplex 5B, with muscular dystrophy. Last evaluated: 2025-11-17. Review status: criteria provided, single submitter. Criteria: Invitae Variant Classification Sherloc (09022015). Collection method: clinical testing. Allele origin: germline.
Comment: This sequence change replaces lysine, which is basic and polar, with asparagine, which is neutral and polar, at codon 4468 of the PLEC protein (p.Lys4468Asn). This variant is not present in population databases (gnomAD no frequency). This variant has not been reported in the literature in individuals affected with PLEC-related conditions. ClinVar contains an entry for this variant (Variation ID: 2013363). Invitae Evidence Modeling of protein sequence and biophysical properties (such as structural, functional, and spatial information, amino acid conservation, physicochemical variation, residue mobility, and thermodynamic stability) indicates that this missense variant is not expected to disrupt PLEC protein function with a negative predictive value of 80%. In summary, the available evidence is currently insufficient to determine the role of this variant in disease. Therefore, it has been classified as a Variant of Uncertain Significance.

Revvity Omics, Revvity
Classification: Uncertain significance. Last evaluated: 2021-02-17. Review status: criteria provided, single submitter. Criteria: ACMG Guidelines, 2015. Collection method: clinical testing. Allele origin: germline.

NM_201384.3(PLEC):c.13323G>C (p.Lys4441Asn)

Gene: PLEC (plectin; minus strand). Cytogenetic location: 8q24.3.
Variant type: single nucleotide variant.
Coding change: c.13323G>C on transcript NM_201384.3 (MANE Select); coding-DNA position 13323, G replaced by C.
Protein change: p.Lys4441Asn; replaces lysine 4441 with asparagine.
Molecular consequence: missense variant.
Genome position (GRCh38, 1-based): chr8:143,916,498, C>G on the plus strand (G>C on the coding strand, the complement: PLEC is on the minus strand). VCF-style: chr8-143916498-C-G. GRCh37 (hg19) VCF-style: chr8-144990666-C-G.
Other names: c.13404G>C, p.Lys4468Asn (NM_000445.5); c.10023G>C, p.Lys3341Asn (NM_001410941.1); c.13281G>C, p.Lys4427Asn (NM_201378.4); c.13257G>C, p.Lys4419Asn (NM_201379.3); c.13734G>C, p.Lys4578Asn (NM_201380.4); c.13227G>C, p.Lys4409Asn (NM_201381.3); c.13323G>C, p.Lys4441Asn (NM_201382.4); c.13335G>C, p.Lys4445Asn (NM_201383.3); short protein forms K4468N, K3341N, K4419N, K4427N, K4578N, K4409N, K4441N, K4445N.
Identifiers: ClinVar variation 2013363 (VCV002013363.7), dbSNP rs1554669313, ClinGen allele CA372475647.